The following is an entry in ClinVar:

ClinVar aggregate classification (germline): Uncertain significance. Review status: criteria provided, multiple submitters, no conflicts (2 of 4 stars). 4 submissions from 4 submitters: Uncertain significance (4). Last evaluated 2024-11-11.

Conditions:
Inborn genetic diseases. Identifiers: MedGen C0950123, MeSH D030342.

Allele frequency attached by ClinVar (database versions not stated): gnomAD exomes below 0.00001 and 0.00001; TOPMed below 0.00001; gnomAD 0.00001.
gnomAD v4.1: 21 of 1,613,998 alleles (0.0013%); highest among the groups gnomAD compares: Middle Eastern, 0.016%; no homozygotes.

Submissions (4):

Ambry Genetics
Classification: Uncertain significance for Inborn genetic diseases. Last evaluated: 2024-11-11. Review status: criteria provided, single submitter. Criteria: Ambry Variant Classification Scheme 2023. Collection method: clinical testing. Allele origin: germline.

Blueprint Genetics
Classification: Uncertain significance. Last evaluated: 2024-02-09. Review status: criteria provided, single submitter. Criteria: ACMG Guidelines, 2015. Collection method: clinical testing. Allele origin: germline.

Labcorp Genetics (formerly Invitae), Labcorp
Classification: Uncertain significance. Last evaluated: 2022-09-06. Review status: criteria provided, single submitter. Criteria: Invitae Variant Classification Sherloc (09022015). Collection method: clinical testing. Allele origin: germline.
Comment: This sequence change replaces arginine, which is basic and polar, with cysteine, which is neutral and slightly polar, at codon 745 of the CDH3 protein (p.Arg745Cys). In summary, the available evidence is currently insufficient to determine the role of this variant in disease. Therefore, it has been classified as a Variant of Uncertain Significance. Algorithms developed to predict the effect of missense changes on protein structure and function are either unavailable or do not agree on the potential impact of this missense change (SIFT: "Not Available"; PolyPhen-2: "Probably Damaging"; Align-GVGD: "Not Available"). ClinVar contains an entry for this variant (Variation ID: 423423). This variant has not been reported in the literature in individuals affected with CDH3-related conditions. This variant is present in population databases (no rsID available, gnomAD 0.006%).

GeneDx
Classification: Uncertain significance. Last evaluated: 2017-02-15. Review status: criteria provided, single submitter. Criteria: GeneDx Variant Classification (06012015). Collection method: clinical testing. Allele origin: germline. Affected: yes.
Comment: The R745C variant in the CDH3 gene has not been reported previously as a pathogenic variant, nor as a benign variant, to our knowledge. This variant is not observed in large population cohorts (Lek et al., 2016; 1000 Genomes Consortium et al., 2015; Exome Variant Server). The R745C variant is a non-conservative amino acid substitution, which is likely to impact secondary protein structure as these residues differ in polarity, charge, size and/or other properties. This substitution occurs at a position that is conserved in mammals. In silico analysis predicts this variant is probably damaging to the protein structure/function. We interpret R745C as a variant of uncertain significance.

NM_001793.6(CDH3):c.2233C>T (p.Arg745Cys)

Gene: CDH3 (cadherin 3; plus strand). Cytogenetic location: 16q22.1.
Variant type: single nucleotide variant.
Coding change: c.2233C>T on transcript NM_001793.6 (MANE Select); coding-DNA position 2233, C replaced by T.
Protein change: p.Arg745Cys; replaces arginine 745 with cysteine.
Molecular consequence: missense variant.
Genome position (GRCh38, 1-based): chr16:68,695,876, C>T. VCF-style: chr16-68695876-C-T. GRCh37 (hg19) VCF-style: chr16-68729779-C-T.
Other names: c.2233C>T, p.Arg745Cys (NM_001317195.3); c.2068C>T, p.Arg690Cys (NM_001317196.2); short protein forms R745C, R690C.
Identifiers: ClinVar variation 423423 (VCV000423423.8), dbSNP rs950334784, ClinGen allele CA16620221.